The following is an entry in ClinVar:

ClinVar aggregate classification (germline): Uncertain significance. Review status: criteria provided, multiple submitters, no conflicts (2 of 4 stars). 2 submissions from 2 submitters: Uncertain significance (2). Last evaluated 2025-09-01.

Allele frequency attached by ClinVar (database versions not stated): gnomAD exomes 0.00002 and 0.00010; ExAC 0.00003; TOPMed 0.00004; gnomAD 0.00006 and 0.00007.
gnomAD v4.1: 151 of 1,614,020 alleles (0.0094%); highest among the groups gnomAD compares: Non-Finnish European, 0.011%; no homozygotes.

Submissions (2):

Ambry Genetics
Classification: Uncertain significance. Last evaluated: 2025-09-01. Review status: criteria provided, single submitter. Criteria: Ambry Variant Classification Scheme 2023. Collection method: clinical testing. Allele origin: germline.

Labcorp Genetics (formerly Invitae), Labcorp
Classification: Uncertain significance. Last evaluated: 2025-03-17. Review status: criteria provided, single submitter. Criteria: Invitae Variant Classification Sherloc (09022015). Collection method: clinical testing. Allele origin: germline.
Comment: This sequence change replaces arginine, which is basic and polar, with histidine, which is basic and polar, at codon 50 of the CA4 protein (p.Arg50His). This variant is present in population databases (rs777463944, gnomAD 0.008%). This variant has not been reported in the literature in individuals affected with CA4-related conditions. ClinVar contains an entry for this variant (Variation ID: 1017407). Invitae Evidence Modeling of protein sequence and biophysical properties (such as structural, functional, and spatial information, amino acid conservation, physicochemical variation, residue mobility, and thermodynamic stability) indicates that this missense variant is not expected to disrupt CA4 protein function with a negative predictive value of 80%. In summary, the available evidence is currently insufficient to determine the role of this variant in disease. Therefore, it has been classified as a Variant of Uncertain Significance.

NM_000717.5(CA4):c.149G>A (p.Arg50His)

Gene: CA4 (carbonic anhydrase 4; plus strand). Cytogenetic location: 17q23.1.
Variant type: single nucleotide variant.
Coding change: c.149G>A on transcript NM_000717.5 (MANE Select); coding-DNA position 149, G replaced by A.
Protein change: p.Arg50His; replaces arginine 50 with histidine.
Molecular consequence: missense variant. On other transcripts: non-coding transcript variant (1).
Genome position (GRCh38, 1-based): chr17:60,156,596, G>A. VCF-style: chr17-60156596-G-A. GRCh37 (hg19) VCF-style: chr17-58233957-G-A.
Other names: c.149G>A (NM_000717.3); short protein forms R50H.
Identifiers: ClinVar variation 1017407 (VCV001017407.9), dbSNP rs777463944, ClinGen allele CA8685248.
Genomic context (GRCh38, chr17:60,156,596, plus strand): 5'-AGCCCACCTTCTCTCCCTGCTCAGTGCCAGTCAAGTGGGGTGGAAACTGCCAGAAGGACC[G>A]CCAGTCCCCCATCAACATCGTCACCACCAAGGCAAAGGTGGACAAAAAACTGGGACGCTT-3'
Protein context (NP_000708.1, residues 40-60): VKWGGNCQKD[Arg50His]QSPINIVTTK